The following is an entry in ClinVar:

ClinVar aggregate classification (germline): Pathogenic. Review status: criteria provided, multiple submitters, no conflicts (2 of 4 stars). 2 submissions from 2 submitters: Pathogenic (2). Last evaluated 2026-06-17.

Conditions:
Hereditary cancer-predisposing syndrome. Also called: Hereditary Cancer Syndrome; Neoplastic Syndromes, Hereditary; Hereditary neoplastic syndrome; Tumor predisposition. Identifiers: Orphanet 140162, MedGen C0027672, MeSH D009386, MONDO:0015356.

Submissions (2):

Ambry Genetics
Classification: Pathogenic for Hereditary cancer-predisposing syndrome. Last evaluated: 2026-06-17. Review status: criteria provided, single submitter. Criteria: Ambry Variant Classification Scheme 2023. Collection method: clinical testing. Allele origin: germline.
Comment: The c.473dupG pathogenic mutation, located in coding exon 3 of the NTHL1 gene, results from a duplication of G at nucleotide position 473, causing a translational frameshift with a predicted alternate stop codon (p.L159Pfs*11). This variant is considered to be rare based on population cohorts in the Genome Aggregation Database (gnomAD). This alteration is expected to result in loss of function by premature protein truncation or nonsense-mediated mRNA decay. As such, this alteration is interpreted as a disease-causing mutation.

Labcorp Genetics (formerly Invitae), Labcorp
Classification: Pathogenic. Last evaluated: 2025-11-20. Review status: criteria provided, single submitter. Criteria: Invitae Variant Classification Sherloc (09022015). Collection method: clinical testing. Allele origin: germline.
Comment: This sequence change creates a premature translational stop signal (p.Leu159Profs*11) in the NTHL1 gene. It is expected to result in an absent or disrupted protein product. Loss-of-function variants in NTHL1 are known to be pathogenic (PMID: 25938944, 26559593). This variant is not present in population databases (gnomAD no frequency). This variant has not been reported in the literature in individuals affected with NTHL1-related conditions. ClinVar contains an entry for this variant (Variation ID: 1435962). For these reasons, this variant has been classified as Pathogenic.

Literature cited by the submitters: PubMed 25938944 (cited by Labcorp Genetics (formerly Invitae), Labcorp); PubMed 26559593 (cited by Labcorp Genetics (formerly Invitae), Labcorp).

NM_002528.7(NTHL1):c.449dup (p.Leu151fs)

Gene: NTHL1 (nth like DNA glycosylase 1; minus strand). Cytogenetic location: 16p13.3.
Variant type: Duplication.
Coding change: c.449dup on transcript NM_002528.7 (MANE Select); coding-DNA position 449, one base duplicated (G; older notation c.449dupG).
Protein change: p.Leu151fs; shifts the reading frame from leucine 151.
Molecular consequence: frameshift variant. On other transcripts: intron variant (1).
Genome position (GRCh38, 1-based): chr16:2,044,706, C duplicated on the plus strand (G on the coding strand, the reverse complement: NTHL1 is on the minus strand); the first of 4 consecutive C bases (chr16:2,044,706-2,044,709); duplicating any one gives the same sequence. VCF-style (leftmost placement, unchanged base first): chr16-2044705-G-GC. GRCh37 (hg19) VCF-style: chr16-2094706-G-GC.
Other names: c.119dup, p.Leu41fs (NM_001318194.2); c.355-980dup (NM_001318193.2); c.473dupG (NM_002528.5); short protein forms L41fs, L151fs.
Identifiers: ClinVar variation 1435962 (VCV001435962.7), dbSNP rs2150942322, ClinGen allele CA2573151801.